The following is an entry in ClinVar:

NC_000017.10:g.(?_56809835)_(56809915_?)del

Gene: RAD51C (RAD51 paralog C; plus strand). Cytogenetic location: 17q22.
Variant type: Deletion.
Identifiers: ClinVar variation 3243077 (VCV003243077.1).

ClinVar aggregate classification (germline): Pathogenic (1 of 4 stars; one submission).

Conditions:
Fanconi anemia complementation group O. Also called: RAD51C-Related Fanconi Anemia. Identifiers: Orphanet 84, MedGen C3150653, MONDO:0013248, OMIM 613390.

Submission:

Labcorp Genetics (formerly Invitae), Labcorp
Classification: Pathogenic for Fanconi anemia complementation group O. Last evaluated: 2015-08-26. Review status: criteria provided, single submitter. Criteria: Invitae Variant Classification Sherloc (09022015). Collection method: clinical testing. Allele origin: unknown.
Comment: For these reasons, this variant has been classified as Pathogenic. While this particular variant has not been reported in the literature, truncating variants in RAD51C are known to be pathogenic and gross deletions that encompass exons 5 through 9 have been previously reported in two breast and/or ovarian cancer families (PMID: 24359560). This sequence change is a gross deletion of the genomic region encompassing exon 8 of the RAD51C gene.

Literature cited by the submitters: PubMed 24359560.